The following is an entry in ClinVar:

ClinVar aggregate classification (germline): Uncertain significance (1 of 4 stars; one submission).

Conditions:
Ectodermal dysplasia and immunodeficiency 2. Identifiers: Orphanet 238468, Orphanet 98813, MedGen C2677481, MONDO:0012806, OMIM 612132.

Allele frequency attached by ClinVar (database versions not stated): TOPMed 0.00002; gnomAD exomes 0.00003; ExAC 0.00005.

Submission:

Labcorp Genetics (formerly Invitae), Labcorp
Classification: Uncertain significance for Ectodermal dysplasia and immunodeficiency 2. Last evaluated: 2024-11-19. Review status: criteria provided, single submitter. Criteria: Invitae Variant Classification Sherloc (09022015). Collection method: clinical testing. Allele origin: germline.
Comment: This sequence change replaces glutamic acid, which is acidic and polar, with lysine, which is basic and polar, at codon 302 of the NFKBIA protein (p.Glu302Lys). This variant is present in population databases (rs116801398, gnomAD 0.04%), and has an allele count higher than expected for a pathogenic variant. This variant has not been reported in the literature in individuals affected with NFKBIA-related conditions. ClinVar contains an entry for this variant (Variation ID: 2153415). An algorithm developed to predict the effect of missense changes on protein structure and function (PolyPhen-2) suggests that this variant is likely to be disruptive. In summary, the available evidence is currently insufficient to determine the role of this variant in disease. Therefore, it has been classified as a Variant of Uncertain Significance.

NM_020529.3(NFKBIA):c.904G>A (p.Glu302Lys)

Gene: NFKBIA (NFKB inhibitor alpha; minus strand). Cytogenetic location: 14q13.2.
Variant type: single nucleotide variant.
Coding change: c.904G>A on transcript NM_020529.3 (MANE Select); coding-DNA position 904, G replaced by A.
Protein change: p.Glu302Lys; replaces glutamic acid 302 with lysine.
Molecular consequence: missense variant.
Genome position (GRCh38, 1-based): chr14:35,402,396, C>T on the plus strand (G>A on the coding strand, the complement: NFKBIA is on the minus strand). VCF-style: chr14-35402396-C-T. GRCh37 (hg19) VCF-style: chr14-35871602-C-T.
Other names: short protein forms E302K.
Identifiers: ClinVar variation 2153415 (VCV002153415.4), dbSNP rs116801398, ClinGen allele CA7155338.